The following is an entry in ClinVar:

ClinVar aggregate classification (germline): Uncertain significance. Review status: criteria provided, multiple submitters, no conflicts (2 of 4 stars). 2 submissions from 2 submitters: Uncertain significance (2). Last evaluated 2026-03-15.

Conditions:
Gamma-aminobutyric acid transaminase deficiency (GABATD). Also called: GABA transaminase deficiency; Gamma aminobutyrate transaminase deficiency; 4 alpha aminobutyrate transaminase deficiency; GABA aminotransaminase deficiency. Identifiers: Orphanet 2066, MedGen C0342708, MONDO:0013166, OMIM 613163.

Allele frequency attached by ClinVar (database versions not stated): ExAC 0.00001; gnomAD 0.00001; gnomAD exomes 0.00001; TOPMed 0.00001.
gnomAD v4.1: 16 of 1,613,982 alleles (0.00099%); highest among the groups gnomAD compares: African/African-American, 0.0013%; no homozygotes.

Submissions (2):

GeneDx
Classification: Uncertain significance. Last evaluated: 2026-03-15. Review status: criteria provided, single submitter. Criteria: GeneDx Variant Classification Process June 2021. Collection method: clinical testing. Allele origin: germline.
Comment: Not observed at significant frequency in large population cohorts (gnomAD); In silico analysis supports that this missense variant has a deleterious effect on protein structure/function; Has not been previously published as pathogenic or benign to our knowledge

Labcorp Genetics (formerly Invitae), Labcorp
Classification: Uncertain significance for Gamma-aminobutyric acid transaminase deficiency. Last evaluated: 2022-02-04. Review status: criteria provided, single submitter. Criteria: Invitae Variant Classification Sherloc (09022015). Collection method: clinical testing. Allele origin: germline.
Comment: This sequence change replaces arginine, which is basic and polar, with histidine, which is basic and polar, at codon 475 of the ABAT protein (p.Arg475His). This variant is present in population databases (rs762137050, gnomAD 0.002%). This variant has not been reported in the literature in individuals affected with ABAT-related conditions. Algorithms developed to predict the effect of missense changes on protein structure and function are either unavailable or do not agree on the potential impact of this missense change (SIFT: "Deleterious"; PolyPhen-2: "Probably Damaging"; Align-GVGD: "Class C0"). In summary, the available evidence is currently insufficient to determine the role of this variant in disease. Therefore, it has been classified as a Variant of Uncertain Significance.

NM_020686.6(ABAT):c.1424G>A (p.Arg475His)

Gene: ABAT (4-aminobutyrate aminotransferase; plus strand). Cytogenetic location: 16p13.2.
Variant type: single nucleotide variant.
Coding change: c.1424G>A on transcript NM_020686.6 (MANE Select); coding-DNA position 1424, G replaced by A.
Protein change: p.Arg475His; replaces arginine 475 with histidine.
Molecular consequence: missense variant.
Genome position (GRCh38, 1-based): chr16:8,781,351, G>A. VCF-style: chr16-8781351-G-A. GRCh37 (hg19) VCF-style: chr16-8875208-G-A.
Other names: c.1424G>A (NM_020686.5); c.1483G>A, p.Val495Ile (NM_001386616.1); c.1424G>A, p.Arg475His (NM_000663.5, NM_001127448.2, NM_001386600.1 and 4 more transcripts); c.1385G>A, p.Arg462His (NM_001386605.1); c.1361G>A, p.Arg454His (NM_001386606.1, NM_001386607.1); c.1331G>A, p.Arg444His (NM_001386608.1); c.1312G>A, p.Val438Ile (NM_001386609.1); c.1289G>A, p.Arg430His (NM_001386610.1, NM_001386611.1); and 3 more; short protein forms R430H, R444H, R475H, R462H, R393H, R409H, R454H, R507H.
Identifiers: ClinVar variation 1437968 (VCV001437968.6), dbSNP rs762137050, ClinGen allele CA7893574.